The following is an entry in ClinVar:

NM_016103.4(SAR1B):c.244+1_244+2del

Gene: SAR1B (secretion associated Ras related GTPase 1B; minus strand). Cytogenetic location: 5q31.1.
Variant type: Deletion.
Coding change: c.244+1_244+2del on transcript NM_016103.4 (MANE Select); the canonical splice donor site of the intron after coding-DNA position 244, 2 bases deleted (GT; older notation c.244+1_244+2delGT).
Molecular consequence: splice donor variant.
Genome position (GRCh38, 1-based): chr5:134,612,689-134,612,690, AC deleted on the plus strand (GT on the coding strand, the reverse complement: SAR1B is on the minus strand). VCF-style (leftmost placement, unchanged base first): chr5-134612688-TAC-T. GRCh37 (hg19) VCF-style: chr5-133948378-TAC-T.
Other names: c.244+1_244+2del (NM_001033503.3).
Identifiers: ClinVar variation 3254897 (VCV003254897.1), dbSNP rs2484119129.

ClinVar aggregate classification (germline): Likely pathogenic (1 of 4 stars; one submission).

Conditions:
Chylomicron retention disease (CMRD). Also called: HYPOBETALIPOPROTEINEMIA WITH ACCUMULATION OF APOLIPOPROTEIN B-LIKE PROTEIN IN INTESTINAL CELLS; LIPID TRANSPORT DEFECT OF INTESTINE. Identifiers: Orphanet 71, MedGen C0795956, MONDO:0009528, OMIM 246700.

Submission:

Victorian Clinical Genetics Services, Murdoch Childrens Research Institute
Classification: Likely pathogenic for Chylomicron retention disease. Last evaluated: 2023-12-20. Review status: criteria provided, single submitter. Criteria: ACMG Guidelines, 2015. Collection method: clinical testing. Allele origin: germline. Inheritance: Autosomal recessive inheritance. Affected: yes.
Comment: Based on the classification scheme VCGS_Germline_v1.3.4, this variant is classified as Likely Pathogenic. Following criteria are met: 0102 - Loss of function is a known mechanism of disease in this gene and is associated with chylomicron retention disease (MIM#246700). (I) 0106 - This gene is associated with autosomal recessive disease. (I) 0211 - Canonical splice site variant without proven consequence on splicing (no functional evidence available). (SP) 0252 - This variant is homozygous. (I) 0301 - Variant is absent from gnomAD (both v2 and v3). (SP) 0311 - An alternative nucleotide change at the same canonical splice site, is present in gnomAD (v2) (2 heterozygotes, 0 homozygotes). (I) 0505 - Abnormal splicing is predicted by in silico tools and affected nucleotide is highly conserved. (SP) 0705 - No comparable canonical splice variants have previous evidence for pathogenicity. (I) 0807 - This variant has no previous evidence of pathogenicity. (I) 0905 - No published segregation evidence has been identified for this variant. (I) 1007 - No published functional evidence has been identified for this variant. (I) 1102 - Strong phenotype match for this individual. (I) Legend: (SP) - Supporting pathogenic, (I) - Information, (SB) - Supporting benign